The following is an entry in ClinVar:

NM_004100.5(EYA4):c.*2302G>A

Genes: TARID (TCF21 antisense RNA inducing promoter demethylation; minus strand), EYA4 (EYA transcriptional coactivator and phosphatase 4; plus strand). Cytogenetic location: 6q23.2.
Variant type: single nucleotide variant.
Coding change: c.*2302G>A on transcript NM_004100.5 (MANE Select); 2302 bases downstream of the stop codon, G replaced by A.
Molecular consequence: 3 prime UTR variant.
Genome position (GRCh38, 1-based): chr6:133,531,107, G>A. VCF-style: chr6-133531107-G-A. GRCh37 (hg19) VCF-style: chr6-133852245-G-A.
Other names: c.*2302G>A (NM_001301012.2, NM_001301013.2, NM_001370458.1 and 3 more transcripts).
Identifiers: ClinVar variation 355467 (VCV000355467.7), dbSNP rs41286208, ClinGen allele CA10625834.

ClinVar aggregate classification (germline): Benign/Likely benign. Review status: criteria provided, multiple submitters, no conflicts (2 of 4 stars). 4 submissions from 3 submitters: Benign (1); Likely benign (3). Last evaluated 2021-05-15.

Conditions:
Dilated cardiomyopathy 1J (CMD1J). Also called: CARDIOMYOPATHY, DILATED, WITH SENSORINEURAL HEARING LOSS, AUTOSOMAL DOMINANT. Identifiers: Orphanet 217622, MedGen C1854368, MONDO:0011541, OMIM 605362.
Autosomal dominant nonsyndromic hearing loss 10. Identifiers: Orphanet 90635, MedGen C1832476, MONDO:0011031, OMIM 601316.

Allele frequency attached by ClinVar (database versions not stated): 1000 Genomes Project 0.01198; 1000 Genomes Project 30x 0.01218; gnomAD 0.02474 and 0.02535; TOPMed 0.02475.
gnomAD v4.1: 52,984 of 1,491,392 alleles (3.6%); highest among the groups gnomAD compares: Non-Finnish European, 4.3%; 1,092 homozygotes.

Submissions (4):

GeneDx
Classification: Likely benign. Last evaluated: 2021-05-15. Review status: criteria provided, single submitter. Criteria: GeneDx Variant Classification Process June 2021. Collection method: clinical testing. Allele origin: germline. Affected: yes.

Illumina Laboratory Services, Illumina
Classification: Benign for Autosomal dominant nonsyndromic hearing loss 10. Last evaluated: 2018-01-12. Review status: criteria provided, single submitter. Criteria: ICSL Variant Classification Criteria 13 December 2019. Collection method: clinical testing. Allele origin: germline.
Comment: This variant was observed in the ICSL laboratory as part of a predisposition screen in an ostensibly healthy population. It had not been previously curated by ICSL or reported in the Human Gene Mutation Database (HGMD: prior to June 1st, 2018), and was therefore a candidate for classification through an automated scoring system. Utilizing variant allele frequency, disease prevalence and penetrance estimates, and inheritance mode, an automated score was calculated to assess if this variant is too frequent to cause the disease. Based on the score and internal cut-off values, a variant classified as benign is not then subjected to further curation. The score for this variant resulted in a classification of benign for this disease.

Illumina Laboratory Services, Illumina
Classification: Likely benign for Dilated cardiomyopathy 1J. Last evaluated: 2018-01-12. Review status: criteria provided, single submitter. Criteria: ICSL Variant Classification Criteria 13 December 2019. Collection method: clinical testing. Allele origin: germline.
Comment: This variant was observed in the ICSL laboratory as part of a predisposition screen in an ostensibly healthy population. It had not been previously curated by ICSL or reported in the Human Gene Mutation Database (HGMD: prior to June 1st, 2018), and was therefore a candidate for classification through an automated scoring system. Utilizing variant allele frequency, disease prevalence and penetrance estimates, and inheritance mode, an automated score was calculated to assess if this variant is too frequent to cause the disease. Based on the score and internal cut-off values, a variant classified as likely benign is not then subjected to further curation. The score for this variant resulted in a classification of likely benign for this disease.

Breakthrough Genomics
Classification: Likely benign. Review status: criteria provided, single submitter. Criteria: ACMG Guidelines, 2015. Collection method: not provided. Allele origin: germline. Inheritance: Autosomal dominant inheritance. Affected: yes.